The following is an entry in ClinVar:

NM_001151.4(SLC25A4):c.374C>T (p.Ala125Val)

Gene: SLC25A4 (solute carrier family 25 member 4; plus strand). Cytogenetic location: 4q35.1.
Variant type: single nucleotide variant.
Coding change: c.374C>T on transcript NM_001151.4 (MANE Select); coding-DNA position 374, C replaced by T.
Protein change: p.Ala125Val; replaces alanine 125 with valine.
Molecular consequence: missense variant.
Genome position (GRCh38, 1-based): chr4:185,145,026, C>T. VCF-style: chr4-185145026-C-T. GRCh37 (hg19) VCF-style: chr4-186066180-C-T.
Other names: short protein forms A125V.
Identifiers: ClinVar variation 1506140 (VCV001506140.8), dbSNP rs2111285706, ClinGen allele CA358896486.

ClinVar aggregate classification (germline): Uncertain significance (1 of 4 stars; one submission).

Submission:

Labcorp Genetics (formerly Invitae), Labcorp
Classification: Uncertain significance. Last evaluated: 2020-11-03. Review status: criteria provided, single submitter. Criteria: Invitae Variant Classification Sherloc (09022015). Collection method: clinical testing. Allele origin: germline.
Comment: This sequence change replaces alanine with valine at codon 125 of the SLC25A4 protein (p.Ala125Val). The alanine residue is highly conserved and there is a small physicochemical difference between alanine and valine. In summary, the available evidence is currently insufficient to determine the role of this variant in disease. Therefore, it has been classified as a Variant of Uncertain Significance. Algorithms developed to predict the effect of missense changes on protein structure and function (SIFT, PolyPhen-2, Align-GVGD) all suggest that this variant is likely to be disruptive, but these predictions have not been confirmed by published functional studies and their clinical significance is uncertain. This variant has not been reported in the literature in individuals with SLC25A4-related conditions. This variant is not present in population databases (ExAC no frequency).